The following is an entry in ClinVar:

NM_001035.3(RYR2):c.9402G>C (p.Leu3134=)

Gene: RYR2 (ryanodine receptor 2; plus strand). Cytogenetic location: 1q43.
Variant type: single nucleotide variant.
Coding change: c.9402G>C on transcript NM_001035.3 (MANE Select); coding-DNA position 9402, G replaced by C.
Protein change: p.Leu3134=; no amino-acid change (leucine 3134 retained).
Molecular consequence: synonymous variant.
Genome position (GRCh38, 1-based): chr1:237,702,012, G>C. VCF-style: chr1-237702012-G-C. GRCh37 (hg19) VCF-style: chr1-237865312-G-C.
Other names: c.9402G>C (NM_001035.2).
Identifiers: ClinVar variation 1080868 (VCV001080868.14), dbSNP rs1688007851, ClinGen allele CA423818871.

ClinVar aggregate classification (germline): Likely benign. Review status: criteria provided, multiple submitters, no conflicts (2 of 4 stars). 4 submissions from 4 submitters: Likely benign (4). Last evaluated 2024-04-24.

Conditions:
Cardiomyopathy (CMYO). Also called: Cardiomyopathies. Identifiers: Orphanet 167848, MedGen C0878544, MONDO:0004994, HP:0001638. Inheritance: Various modes of inheritance.
Catecholaminergic polymorphic ventricular tachycardia 1. Also called: VENTRICULAR TACHYCARDIA, CATECHOLAMINERGIC POLYMORPHIC, 1, WITH OR WITHOUT ATRIAL DYSFUNCTION AND/OR DILATED CARDIOMYOPATHY; VENTRICULAR TACHYCARDIA, STRESS-INDUCED POLYMORPHIC 1; RYR2-Related Catecholaminergic Polymorphic Ventricular Tachycardia. Identifiers: Orphanet 3286, MedGen C1631597, MONDO:0011484, OMIM 604772.
Cardiovascular phenotype. Identifiers: MedGen CN230736.
Catecholaminergic polymorphic ventricular tachycardia (CVPT). Also called: Catecholamine-induced polymorphic ventricular tachycardia. Identifiers: Orphanet 3286, MedGen C5574922, MONDO:0017990.

Allele frequency attached by ClinVar (database versions not stated): gnomAD exomes 0.00001.
gnomAD v4.1: 15 of 1,608,774 alleles (0.00093%); highest among the groups gnomAD compares: Non-Finnish European, 0.0012%; no homozygotes.

Submissions (4):

Labcorp Genetics (formerly Invitae), Labcorp
Classification: Likely benign for Catecholaminergic polymorphic ventricular tachycardia 1. Last evaluated: 2024-04-24. Review status: criteria provided, single submitter. Criteria: Invitae Variant Classification Sherloc (09022015). Collection method: clinical testing. Allele origin: germline.

All of Us Research Program, National Institutes of Health
Classification: Likely benign for Catecholaminergic polymorphic ventricular tachycardia. Last evaluated: 2023-09-17. Review status: criteria provided, single submitter. Criteria: ACMG Guidelines, 2015. Collection method: clinical testing. Allele origin: germline. Inheritance: Autosomal dominant inheritance. Observed: 4 variant alleles, 4 heterozygotes.
Comment: This study involves interpretation of variants in research participants for the purpose of population health screening. Participant phenotype was not available at the time of variant classification. Additional details can be found in publication PMID: 35346344, PMCID: PMC8962531

Ambry Genetics
Classification: Likely benign for Cardiovascular phenotype. Last evaluated: 2023-01-13. Review status: criteria provided, single submitter. Criteria: Ambry Variant Classification Scheme 2023. Collection method: clinical testing. Allele origin: germline.

Color Diagnostics, LLC DBA Color Health
Classification: Likely benign for Cardiomyopathy. Last evaluated: 2022-11-06. Review status: criteria provided, single submitter. Criteria: ACMG Guidelines, 2015. Collection method: clinical testing. Allele origin: germline.